The following is an entry in ClinVar:

ClinVar aggregate classification (germline): Pathogenic (1 of 4 stars; one submission).

Conditions:
Tuberous sclerosis 1 (TSC1). Identifiers: Orphanet 805, MedGen C1854465, MONDO:0008612, OMIM 191100.

Submission:

Labcorp Genetics (formerly Invitae), Labcorp
Classification: Pathogenic for Tuberous sclerosis 1. Last evaluated: 2019-10-01. Review status: criteria provided, single submitter. Criteria: Invitae Variant Classification Sherloc (09022015). Collection method: clinical testing. Allele origin: germline.
Comment: For these reasons, this variant has been classified as Pathogenic. Loss-of-function variants in TSC1 are known to be pathogenic (PMID: 10227394, 17304050). This variant has not been reported in the literature in individuals with TSC1-related conditions. This variant is not present in population databases (ExAC no frequency). This sequence change creates a premature translational stop signal (p.Glu446*) in the TSC1 gene. It is expected to result in an absent or disrupted protein product.

Literature cited by the submitters: PubMed 10227394; PubMed 17304050.

NM_000368.5(TSC1):c.1336G>T (p.Glu446Ter)

Gene: TSC1 (TSC complex subunit 1; minus strand). Cytogenetic location: 9q34.13.
Variant type: single nucleotide variant.
Coding change: c.1336G>T on transcript NM_000368.5 (MANE Select); coding-DNA position 1336, G replaced by T.
Protein change: p.Glu446Ter; replaces glutamic acid 446 with a stop codon.
Molecular consequence: nonsense.
Genome position (GRCh38, 1-based): chr9:132,906,833, C>A on the plus strand (G>T on the coding strand, the complement: TSC1 is on the minus strand). VCF-style: chr9-132906833-C-A. GRCh37 (hg19) VCF-style: chr9-135782220-C-A.
Other names: c.1333G>T, p.Glu445Ter (NM_001162426.2); c.1183G>T, p.Glu395Ter (NM_001162427.2); c.973G>T, p.Glu325Ter (NM_001362177.2); short protein forms E395*, E445*, E325*, E446*.
Identifiers: ClinVar variation 936224 (VCV000936224.7), dbSNP rs1845700817, ClinGen allele CA375366056.